The following is an entry in ClinVar:

NM_004035.7(ACOX1):c.1755T>G (p.Ile585Met)

Gene: ACOX1 (acyl-CoA oxidase 1; minus strand). Cytogenetic location: 17q25.1.
Variant type: single nucleotide variant.
Coding change: c.1755T>G on transcript NM_004035.7 (MANE Select); coding-DNA position 1755, T replaced by G.
Protein change: p.Ile585Met; replaces isoleucine 585 with methionine.
Molecular consequence: missense variant.
Genome position (GRCh38, 1-based): chr17:75,948,431, A>C on the plus strand (T>G on the coding strand, the complement: ACOX1 is on the minus strand). VCF-style: chr17-75948431-A-C. GRCh37 (hg19) VCF-style: chr17-73944512-A-C.
Other names: c.1641T>G, p.Ile547Met (NM_001185039.2); c.1755T>G, p.Ile585Met (NM_007292.6); short protein forms I547M, I585M.
Identifiers: ClinVar variation 3638195 (VCV003638195.2).

ClinVar aggregate classification (germline): Uncertain significance (1 of 4 stars; one submission).

Conditions:
Acyl-CoA oxidase deficiency. Also called: STRAIGHT-CHAIN ACYL-CoA OXIDASE DEFICIENCY; Pseudoneonatal adrenoleukodystrophy; Peroxisomal acyl-CoA oxidase deficiency. Identifiers: Orphanet 2971, MedGen C1849678, MONDO:0009919, OMIM 264470. Disease mechanism: loss of function.

Submission:

Labcorp Genetics (formerly Invitae), Labcorp
Classification: Uncertain significance for Acyl-CoA oxidase deficiency. Last evaluated: 2024-04-10. Review status: criteria provided, single submitter. Criteria: Invitae Variant Classification Sherloc (09022015). Collection method: clinical testing. Allele origin: germline.
Comment: This sequence change replaces isoleucine, which is neutral and non-polar, with methionine, which is neutral and non-polar, at codon 585 of the ACOX1 protein (p.Ile585Met). This variant is not present in population databases (gnomAD no frequency). This variant has not been reported in the literature in individuals affected with ACOX1-related conditions. Advanced modeling of protein sequence and biophysical properties (such as structural, functional, and spatial information, amino acid conservation, physicochemical variation, residue mobility, and thermodynamic stability) performed at Invitae indicates that this missense variant is not expected to disrupt ACOX1 protein function with a negative predictive value of 80%. In summary, the available evidence is currently insufficient to determine the role of this variant in disease. Therefore, it has been classified as a Variant of Uncertain Significance.